The following is an entry in ClinVar:

NM_005676.5(RBM10):c.2326C>T (p.Arg776Trp)

Gene: RBM10 (RNA binding motif protein 10; plus strand). Cytogenetic location: Xp11.3.
Variant type: single nucleotide variant.
Coding change: c.2326C>T on transcript NM_005676.5 (MANE Select); coding-DNA position 2326, C replaced by T.
Protein change: p.Arg776Trp; replaces arginine 776 with tryptophan.
Molecular consequence: missense variant.
Genome position (GRCh38, 1-based): chrX:47,185,601, C>T. VCF-style: chrX-47185601-C-T. GRCh37 (hg19) VCF-style: chrX-47045000-C-T.
Other names: c.2095C>T, p.Arg699Trp (NM_001204466.2); c.2323C>T, p.Arg775Trp (NM_001204467.2); c.2521C>T, p.Arg841Trp (NM_001204468.2); c.2092C>T, p.Arg698Trp (NM_152856.3); short protein forms R698W, R699W, R775W, R776W, R841W.
Identifiers: ClinVar variation 1697973 (VCV001697973.3), dbSNP rs1556782020, ClinGen allele CA412807986.

ClinVar aggregate classification (germline): Likely pathogenic (1 of 4 stars; one submission).

Conditions:
TARP syndrome (TARPS). Also called: PIERRE ROBIN SYNDROME WITH CONGENITAL HEART MALFORMATION AND CLUBFOOT; TALIPES EQUINOVARUS, ATRIAL SEPTAL DEFECT, ROBIN SEQUENCE, AND PERSISTENCE OF LEFT SUPERIOR VENA CAVA. Identifiers: Orphanet 2886, MedGen C1839463, MONDO:0010711, OMIM 311900.

Submission:

Knight Diagnostic Laboratories, Oregon Health and Sciences University
Classification: Likely pathogenic for TARP syndrome. Last evaluated: 2021-04-06. Review status: criteria provided, single submitter. Criteria: ACMG Guidelines, 2015. Collection method: clinical testing. Allele origin: germline. Inheritance: X-linked recessive inheritance. Affected: yes. Observed: 1 hemizygote.
Comment: The RBM10 gene encodes the RNA binding motif protein 10 gene. This gene may have a role in post-transcriptional processing, most probably in mRNA splicing. Mouse studies demonstrate that RBM10 product is most strongly expressed in first branchial arch, second branchial arch, and developing limb buds (Johnston et al. 2014). Pathogenic variants in RBM10 are associated with Talipes Equinovarus, Atrial Septal Defect, Robin Sequence, and Persistence of Left Superior Vena Cava Pierre Robin Syndrome (TARP). However, recent studies have demonstrated significant clinical heterogeneity and variability in the phenotype of TARP with the cardinal features often not presenting (Johnston et al. 2010, Gripp et al. 2011, Johnston et al. 2014, Kumps et al. 2021). This condition is x-linked in males.

Literature cited by the submitters: DOI 10.1111/cge.13835; DOI 10.1002/jcb.26644; DOI 10.1016/j.ajhg.2010.04.007; DOI 10.1002/ajmg.a.34190; DOI 10.1002/ajmg.a.36212; DOI 10.1111/cge.13901.